The following is an entry in ClinVar:

ClinVar aggregate classification (germline): Uncertain significance (1 of 4 stars; one submission).

Conditions:
X-linked Emery-Dreifuss muscular dystrophy. Also called: Muscular dystrophy, tardive Emery-Dreifuss type, with contractures. Identifiers: Orphanet 261, Orphanet 98863, MedGen C0751337, MONDO:0010680.

Submission:

Labcorp Genetics (formerly Invitae), Labcorp
Classification: Uncertain significance for X-linked Emery-Dreifuss muscular dystrophy. Last evaluated: 2025-04-10. Review status: criteria provided, single submitter. Criteria: Invitae Variant Classification Sherloc (09022015). Collection method: clinical testing. Allele origin: germline.
Comment: This sequence change replaces glycine, which is neutral and non-polar, with arginine, which is basic and polar, at codon 28 of the EMD protein (p.Gly28Arg). This variant also falls at the last nucleotide of exon 1, which is part of the consensus splice site for this exon. This variant is not present in population databases (gnomAD no frequency). This variant has not been reported in the literature in individuals affected with EMD-related conditions. ClinVar contains an entry for this variant (Variation ID: 1351390). An algorithm developed to predict the effect of missense changes on protein structure and function (PolyPhen-2) suggests that this variant is likely to be disruptive. Variants that disrupt the consensus splice site are a relatively common cause of aberrant splicing (PMID: 17576681, 9536098). Algorithms developed to predict the effect of sequence changes on RNA splicing suggest that this variant may disrupt the consensus splice site. In summary, the available evidence is currently insufficient to determine the role of this variant in disease. Therefore, it has been classified as a Variant of Uncertain Significance.

Literature cited by the submitters: PubMed 17576681; PubMed 9536098.

NM_000117.3(EMD):c.82G>C (p.Gly28Arg)

Gene: EMD (emerin; plus strand). Cytogenetic location: Xq28.
Variant type: single nucleotide variant.
Coding change: c.82G>C on transcript NM_000117.3 (MANE Select); coding-DNA position 82, G replaced by C.
Protein change: p.Gly28Arg; replaces glycine 28 with arginine.
Molecular consequence: missense variant.
Genome position (GRCh38, 1-based): chrX:154,379,566, G>C. VCF-style: chrX-154379566-G-C. GRCh37 (hg19) VCF-style: chrX-153607926-G-C.
Other names: short protein forms G28R.
Identifiers: ClinVar variation 1351390 (VCV001351390.8), dbSNP rs1064797380, ClinGen allele CA415257191.